The following is an entry in ClinVar:

NM_006306.4(SMC1A):c.1519A>C (p.Ile507Leu)

Gene: SMC1A (structural maintenance of chromosomes 1A; minus strand). Cytogenetic location: Xp11.22.
Variant type: single nucleotide variant.
Coding change: c.1519A>C on transcript NM_006306.4 (MANE Select); coding-DNA position 1519, A replaced by C.
Protein change: p.Ile507Leu; replaces isoleucine 507 with leucine.
Molecular consequence: missense variant.
Genome position (GRCh38, 1-based): chrX:53,409,088, T>G on the plus strand (A>C on the coding strand, the complement: SMC1A is on the minus strand). VCF-style: chrX-53409088-T-G. GRCh37 (hg19) VCF-style: chrX-53436019-T-G.
Other names: c.1453A>C, p.Ile485Leu (NM_001281463.1); short protein forms I485L, I507L.
Identifiers: ClinVar variation 4744832 (VCV004744832.1).

ClinVar aggregate classification (germline): Uncertain significance (1 of 4 stars; one submission).

Conditions:
Congenital muscular hypertrophy-cerebral syndrome (CDLS2). Also called: SMC1A-Related Cornelia de Lange Syndrome; Cornelia de Lange syndrome 2. Identifiers: Orphanet 199, MedGen C1802395, MONDO:0010370, OMIM 300590.

Submission:

Labcorp Genetics (formerly Invitae), Labcorp
Classification: Uncertain significance for Congenital muscular hypertrophy-cerebral syndrome. Last evaluated: 2025-05-23. Review status: criteria provided, single submitter. Criteria: Invitae Variant Classification Sherloc (09022015). Collection method: clinical testing. Allele origin: germline.
Comment: This sequence change replaces isoleucine, which is neutral and non-polar, with leucine, which is neutral and non-polar, at codon 507 of the SMC1A protein (p.Ile507Leu). This variant is not present in population databases (gnomAD no frequency). This variant has not been reported in the literature in individuals affected with SMC1A-related conditions. Invitae Evidence Modeling of protein sequence and biophysical properties (such as structural, functional, and spatial information, amino acid conservation, physicochemical variation, residue mobility, and thermodynamic stability) indicates that this missense variant is not expected to disrupt SMC1A protein function with a negative predictive value of 80%. In summary, the available evidence is currently insufficient to determine the role of this variant in disease. Therefore, it has been classified as a Variant of Uncertain Significance.